The following is an entry in ClinVar:

ClinVar aggregate classification (germline): Uncertain significance (1 of 4 stars; one submission).

Conditions:
Multiple endocrine neoplasia, type 1 (MEN1). Also called: MEA I; MEN I; WERMER SYNDROME; Endocrine adenomatosis multiple; MEN 1. Identifiers: Orphanet 652, MedGen C0025267, MeSH D018761, MONDO:0007540, OMIM 131100.

Submission:

Labcorp Genetics (formerly Invitae), Labcorp
Classification: Uncertain significance for Multiple endocrine neoplasia, type 1. Last evaluated: 2020-03-02. Review status: criteria provided, single submitter. Criteria: Invitae Variant Classification Sherloc (09022015). Collection method: clinical testing. Allele origin: germline.
Comment: Algorithms developed to predict the effect of missense changes on protein structure and function are either unavailable or do not agree on the potential impact of this missense change (SIFT: "Deleterious"; PolyPhen-2: "Probably Damaging"; Align-GVGD: "Class C0"). This variant has not been reported in the literature in individuals with MEN1-related conditions. This variant is not present in population databases (ExAC no frequency). This sequence change replaces valine with glutamic acid at codon 585 of the MEN1 protein (p.Val585Glu). The valine residue is highly conserved and there is a moderate physicochemical difference between valine and glutamic acid. In summary, the available evidence is currently insufficient to determine the role of this variant in disease. Therefore, it has been classified as a Variant of Uncertain Significance.

NM_001370259.2(MEN1):c.1754T>A (p.Val585Glu)

Gene: MEN1 (menin 1; minus strand). Cytogenetic location: 11q13.1.
Variant type: single nucleotide variant.
Coding change: c.1754T>A on transcript NM_001370259.2 (MANE Select); coding-DNA position 1754, T replaced by A.
Protein change: p.Val585Glu; replaces valine 585 with glutamic acid.
Molecular consequence: missense variant.
Genome position (GRCh38, 1-based): chr11:64,804,413, A>T on the plus strand (T>A on the coding strand, the complement: MEN1 is on the minus strand). VCF-style: chr11-64804413-A-T. GRCh37 (hg19) VCF-style: chr11-64571885-A-T.
Other names: c.1769T>A, p.Val590Glu (NM_000244.4, NM_130800.3, NM_130801.3 and 3 more transcripts); c.1880T>A, p.Val627Glu (NM_001370251.2); c.1754T>A, p.Val585Glu (NM_001370260.2, NM_001370261.2, NM_130799.3); c.1649T>A, p.Val550Glu (NM_001370262.2, NM_001370263.2); short protein forms V627E, V550E, V585E, V590E.
Identifiers: ClinVar variation 1038249 (VCV001038249.8), dbSNP rs1592629417, ClinGen allele CA381177438.
Genomic context (GRCh38, chr11:64,804,413, plus strand): 5'-CGCTTGAGGAAAGACAGAGTGTAGTCACTAGGGGTGGACACTTTCTGCTTCTTCATCTGC[A>T]CTTGCGACTGTGCCGTGAGTTGCAGCTTGATGGCGCTCGAGTTGATCTTGGTGGCCACCA-3'
Protein context (NP_001357188.2, residues 575-595): IKLQLTAQSQ[Val585Glu]QMKKQKVSTP